The following is an entry in ClinVar:

NM_000169.3(GLA):c.116_119del (p.Thr39fs)

Genes: GLA (galactosidase alpha; minus strand), RPL36A-HNRNPH2 (RPL36A-HNRNPH2 readthrough; plus strand). Cytogenetic location: Xq22.1.
Variant type: Deletion.
Coding change: c.116_119del on transcript NM_000169.3 (MANE Select); coding-DNA positions 116 to 119, 4 bases deleted (CGCC; older notation c.116_119delCGCC).
Protein change: p.Thr39fs; shifts the reading frame from threonine 39.
Molecular consequence: frameshift variant. On other transcripts: non-coding transcript variant (3), intron variant (2).
Genome position (GRCh38, 1-based): chrX:101,407,785-101,407,788, GGCG deleted on the plus strand (CGCC on the coding strand, the reverse complement: GLA is on the minus strand). VCF-style (leftmost placement, unchanged base first): chrX-101407784-AGGCG-A. GRCh37 (hg19) VCF-style: chrX-100662772-AGGCG-A.
Other names: c.116_119del, p.Thr39fs (NM_001406747.1, NM_001406748.1, NM_001406749.1); c.301-4151_301-4148del (NM_001199973.2); c.178-4151_178-4148del (NM_001199974.2); short protein forms T39fs.
Identifiers: ClinVar variation 1352296 (VCV001352296.6), dbSNP rs2147487313, ClinGen allele CA2573159126.

ClinVar aggregate classification (germline): Pathogenic (1 of 4 stars; one submission).

Conditions:
Fabry disease. Also called: Fabry's disease; Ceramide trihexosidosis; Angiokeratoma corporis diffusum; ALPHA-GALACTOSIDASE A DEFICIENCY; ANDERSON-FABRY DISEASE; CERAMIDE TRIHEXOSIDASE DEFICIENCY. Identifiers: Orphanet 324, MedGen C0002986, MONDO:0010526, OMIM 301500, HP:0001071. Disease mechanism: Fabry disease is due to inactivating mutations in the X-linked GLA gene resulting in deficiency of the enzyme Alpha Galactosidase-A., loss of function.

Submission:

Labcorp Genetics (formerly Invitae), Labcorp
Classification: Pathogenic for Fabry disease. Last evaluated: 2021-09-02. Review status: criteria provided, single submitter. Criteria: Invitae Variant Classification Sherloc (09022015). Collection method: clinical testing. Allele origin: germline.
Comment: For these reasons, this variant has been classified as Pathogenic. This sequence change creates a premature translational stop signal (p.Thr39Ilefs*81) in the GLA gene. It is expected to result in an absent or disrupted protein product. Loss-of-function variants in GLA are known to be pathogenic (PMID: 10666480, 12175777). This variant is not present in population databases (ExAC no frequency). This variant has not been reported in the literature in individuals affected with GLA-related conditions.

Literature cited by the submitters: PubMed 10666480; PubMed 12175777.